The following is an entry in ClinVar:

ClinVar aggregate classification (germline): Uncertain significance. Review status: criteria provided, multiple submitters, no conflicts (2 of 4 stars). 2 submissions from 2 submitters: Uncertain significance (2). Last evaluated 2025-04-06.

Conditions:
Inborn genetic diseases. Identifiers: MedGen C0950123, MeSH D030342.

Submissions (2):

Ambry Genetics
Classification: Uncertain significance for Inborn genetic diseases. Last evaluated: 2025-04-06. Review status: criteria provided, single submitter. Criteria: Ambry Variant Classification Scheme 2023. Collection method: clinical testing. Allele origin: germline.

Labcorp Genetics (formerly Invitae), Labcorp
Classification: Uncertain significance. Last evaluated: 2022-10-31. Review status: criteria provided, single submitter. Criteria: Invitae Variant Classification Sherloc (09022015). Collection method: clinical testing. Allele origin: germline.
Comment: This sequence change replaces alanine, which is neutral and non-polar, with valine, which is neutral and non-polar, at codon 195 of the TMPRSS3 protein (p.Ala195Val). This variant is not present in population databases (gnomAD no frequency). This variant has not been reported in the literature in individuals affected with TMPRSS3-related conditions. Algorithms developed to predict the effect of missense changes on protein structure and function (SIFT, PolyPhen-2, Align-GVGD) all suggest that this variant is likely to be tolerated. In summary, the available evidence is currently insufficient to determine the role of this variant in disease. Therefore, it has been classified as a Variant of Uncertain Significance.

NM_001256317.3(TMPRSS3):c.584C>T (p.Ala195Val)

Gene: TMPRSS3 (transmembrane serine protease 3; minus strand). Cytogenetic location: 21q22.3.
Variant type: single nucleotide variant.
Coding change: c.584C>T on transcript NM_001256317.3 (MANE Select); coding-DNA position 584, C replaced by T.
Protein change: p.Ala195Val; replaces alanine 195 with valine.
Molecular consequence: missense variant.
Genome position (GRCh38, 1-based): chr21:42,384,002, G>A on the plus strand (C>T on the coding strand, the complement: TMPRSS3 is on the minus strand). VCF-style: chr21-42384002-G-A. GRCh37 (hg19) VCF-style: chr21-43804111-G-A.
Other names: c.584C>T (NM_024022.2); c.584C>T, p.Ala195Val (NM_024022.4, NM_032405.2); c.203C>T, p.Ala68Val (NM_032404.3); short protein forms A68V, A195V.
Identifiers: ClinVar variation 2014038 (VCV002014038.5), dbSNP rs1303073325, ClinGen allele CA410374161.
Genomic context (GRCh38, chr21:42,384,002, plus strand): 5'-TGGACCCCTGCCTTTCTGGAACTCTTACCTGTGCACTGCAAGGTAACCACGTGGCCAGAG[G>A]CACATCCCTCCCTAAAGCGGAGAAAAAGTAGGCTCTGTGAAAAATGCCCCAGATCTGTGA-3'
Protein context (NP_001243246.1, residues 185-205): HHSVYVREGC[Ala195Val]SGHVVTLQCT